The following is an entry in ClinVar:

ClinVar aggregate classification (germline): Uncertain significance (1 of 4 stars; one submission).

Conditions:
Optic atrophy 3 (OPA3). Also called: OPTIC ATROPHY 3, AUTOSOMAL DOMINANT; Optic atrophy, cataract, and neurologic disorder; Optic atrophy 3 with cataract. Identifiers: Orphanet 67036, MedGen C1833809, MONDO:0008133, OMIM 165300.
3-Methylglutaconic aciduria type 3 (MGCA3). Also called: OPA3, AUTOSOMAL RECESSIVE; OPTIC ATROPHY 3, AUTOSOMAL RECESSIVE; OPA3-Related 3-Methylglutaconic Aciduria; Costeff Syndrome. Identifiers: Orphanet 67047, MedGen C0574084, MONDO:0009787, OMIM 258501.

gnomAD v4.1: 10 of 1,605,220 alleles (0.00062%); highest among the groups gnomAD compares: Non-Finnish European, 0.00085%; no homozygotes.

Submission:

Labcorp Genetics (formerly Invitae), Labcorp
Classification: Uncertain significance for 3-Methylglutaconic aciduria type 3; Optic atrophy 3. Last evaluated: 2025-11-04. Review status: criteria provided, single submitter. Criteria: Invitae Variant Classification Sherloc (09022015). Collection method: clinical testing. Allele origin: germline.
Comment: This sequence change replaces leucine, which is neutral and non-polar, with glutamine, which is neutral and polar, at codon 129 of the OPA3 protein (p.Leu129Gln). This variant is present in population databases (no rsID available, gnomAD 0.003%). This variant has not been reported in the literature in individuals affected with OPA3-related conditions. ClinVar contains an entry for this variant (Variation ID: 3762754). An algorithm developed to predict the effect of missense changes on protein structure and function (PolyPhen-2) suggests that this variant is likely to be disruptive. In summary, the available evidence is currently insufficient to determine the role of this variant in disease. Therefore, it has been classified as a Variant of Uncertain Significance.

NM_025136.4(OPA3):c.386T>A (p.Leu129Gln)

Genes: OPA3 (outer mitochondrial membrane lipid metabolism regulator OPA3; minus strand), OPA3-RTN2 (OPA3-RTN2 readthrough; minus strand). Cytogenetic location: 19q13.32.
Variant type: single nucleotide variant.
Coding change: c.386T>A on transcript NM_025136.4 (MANE Select); coding-DNA position 386, T replaced by A.
Protein change: p.Leu129Gln; replaces leucine 129 with glutamine.
Molecular consequence: missense variant. On other transcripts: intron variant (1).
Genome position (GRCh38, 1-based): chr19:45,553,668, A>T on the plus strand (T>A on the coding strand, the complement: OPA3 is on the minus strand). VCF-style: chr19-45553668-A-T. GRCh37 (hg19) VCF-style: chr19-46056926-A-T.
Other names: c.143-24212T>A (NM_001017989.3); short protein forms L129Q.
Identifiers: ClinVar variation 3762754 (VCV003762754.2).